The following is an entry in ClinVar:

ClinVar aggregate classification (germline): Uncertain significance. Review status: criteria provided, multiple submitters, no conflicts (2 of 4 stars). 2 submissions from 2 submitters: Uncertain significance (2). Last evaluated 2026-08-01.

Conditions:
Neurodevelopmental disorder with involuntary movements (NEDIM). Identifiers: Orphanet 592564, MedGen C4479569, MONDO:0060491, OMIM 617493.
Developmental and epileptic encephalopathy, 17 (DEE17). Also called: Early infantile epileptic encephalopathy 17. Identifiers: Orphanet 1934, MedGen C3809606, MONDO:0014199, OMIM 615473.

gnomAD v4.1: 4 of 1,613,922 alleles (0.00025%); highest among the groups gnomAD compares: African/African-American, 0.0013%; no homozygotes.

Submissions (2):

CeGaT Center for Human Genetics Tuebingen
Classification: Uncertain significance. Last evaluated: 2026-08-01. Review status: criteria provided, single submitter. Criteria: CeGaT Center For Human Genetics Tuebingen Variant Classification Criteria Version 2. Collection method: clinical testing. Allele origin: germline. Affected: yes. Observed: 1 variant allele.
Comment: GNAO1: PP2

Department of Pathology and Laboratory Medicine, Sinai Health System
Classification: Uncertain significance for Developmental and epileptic encephalopathy, 17; Neurodevelopmental disorder with involuntary movements. Last evaluated: 2022-02-01. Review status: criteria provided, single submitter. Criteria: ACMG Guidelines, 2015. Collection method: research. Allele origin: germline.

NM_020988.3(GNAO1):c.253G>A (p.Val85Ile)

Gene: GNAO1 (G protein subunit alpha o1; plus strand). Cytogenetic location: 16q13.
Variant type: single nucleotide variant.
Coding change: c.253G>A on transcript NM_020988.3 (MANE Select); coding-DNA position 253, G replaced by A.
Protein change: p.Val85Ile; replaces valine 85 with isoleucine.
Molecular consequence: missense variant.
Genome position (GRCh38, 1-based): chr16:56,276,022, G>A. VCF-style: chr16-56276022-G-A. GRCh37 (hg19) VCF-style: chr16-56309934-G-A.
Other names: c.253G>A, p.Val85Ile (NM_138736.3); short protein forms V85I.
Identifiers: ClinVar variation 3893136 (VCV003893136.2).